The following is an entry in ClinVar:

ClinVar aggregate classification (germline): Uncertain significance (1 of 4 stars; one submission).

Allele frequency attached by ClinVar (database versions not stated): gnomAD 0.00001; TOPMed 0.00001.
gnomAD v4.1: 7 of 1,614,014 alleles (0.00043%); highest among the groups gnomAD compares: East Asian, 0.0045%; no homozygotes.

Submission:

Labcorp Genetics (formerly Invitae), Labcorp
Classification: Uncertain significance. Last evaluated: 2025-03-27. Review status: criteria provided, single submitter. Criteria: Invitae Variant Classification Sherloc (09022015). Collection method: clinical testing. Allele origin: germline.
Comment: This sequence change replaces arginine, which is basic and polar, with cysteine, which is neutral and slightly polar, at codon 2143 of the PRPF8 protein (p.Arg2143Cys). This variant is not present in population databases (gnomAD no frequency). This variant has not been reported in the literature in individuals affected with PRPF8-related conditions. ClinVar contains an entry for this variant (Variation ID: 1051267). Invitae Evidence Modeling of protein sequence and biophysical properties (such as structural, functional, and spatial information, amino acid conservation, physicochemical variation, residue mobility, and thermodynamic stability) indicates that this missense variant is not expected to disrupt PRPF8 protein function with a negative predictive value of 80%. In summary, the available evidence is currently insufficient to determine the role of this variant in disease. Therefore, it has been classified as a Variant of Uncertain Significance.

NM_006445.4(PRPF8):c.6427C>T (p.Arg2143Cys)

Gene: PRPF8 (pre-mRNA processing factor 8; minus strand). Cytogenetic location: 17p13.3.
Variant type: single nucleotide variant.
Coding change: c.6427C>T on transcript NM_006445.4 (MANE Select); coding-DNA position 6427, C replaced by T.
Protein change: p.Arg2143Cys; replaces arginine 2143 with cysteine.
Molecular consequence: missense variant.
Genome position (GRCh38, 1-based): chr17:1,651,731, G>A on the plus strand (C>T on the coding strand, the complement: PRPF8 is on the minus strand). VCF-style: chr17-1651731-G-A. GRCh37 (hg19) VCF-style: chr17-1555025-G-A.
Other names: short protein forms R2143C.
Identifiers: ClinVar variation 1051267 (VCV001051267.5), dbSNP rs1206536203, ClinGen allele CA397565341.